The following is an entry in ClinVar:

NM_012203.2(GRHPR):c.757G>A (p.Asp253Asn)

Gene: GRHPR (glyoxylate and hydroxypyruvate reductase; plus strand). Cytogenetic location: 9p13.2.
Variant type: single nucleotide variant.
Coding change: c.757G>A on transcript NM_012203.2 (MANE Select); coding-DNA position 757, G replaced by A.
Protein change: p.Asp253Asn; replaces aspartic acid 253 with asparagine.
Molecular consequence: missense variant.
Genome position (GRCh38, 1-based): chr9:37,432,030, G>A. VCF-style: chr9-37432030-G-A. GRCh37 (hg19) VCF-style: chr9-37432027-G-A.
Other names: short protein forms D253N.
Identifiers: ClinVar variation 1759610 (VCV001759610.2), dbSNP rs376446449, ClinGen allele CA5059258.

ClinVar aggregate classification (germline): Uncertain significance (1 of 4 stars; one submission).

Conditions:
Nephrolithiasis/nephrocalcinosis. Identifiers: MedGen CN580796.

Allele frequency attached by ClinVar (database versions not stated): gnomAD 0.00001; ExAC 0.00002; ESP Exome Variant Server 0.00008.
gnomAD v4.1: 14 of 1,614,000 alleles (0.00087%); highest among the groups gnomAD compares: Middle Eastern, 0.016%; no homozygotes.

Submission:

Ambry Genetics
Classification: Uncertain significance for Nephrolithiasis/nephrocalcinosis. Last evaluated: 2022-05-11. Review status: criteria provided, single submitter. Criteria: Ambry Variant Classification Scheme 2023. Collection method: clinical testing. Allele origin: germline.
Comment: The p.D253N variant (also known as c.757G>A), located in coding exon 8 of the GRHPR gene, results from a G to A substitution at nucleotide position 757. The aspartic acid at codon 253 is replaced by asparagine, an amino acid with highly similar properties. This amino acid position is conserved. In addition, the in silico prediction for this alteration is inconclusive. Since supporting evidence is limited at this time, the clinical significance of this alteration remains unclear.